The following is an entry in ClinVar:

ClinVar aggregate classification (germline): Uncertain significance (1 of 4 stars; one submission).

Allele frequency attached by ClinVar (database versions not stated): gnomAD exomes below 0.00001.
gnomAD v4.1: 6 of 1,613,960 alleles (0.00037%); highest among the groups gnomAD compares: Non-Finnish European, 0.00051%; no homozygotes.

Submission:

Labcorp Genetics (formerly Invitae), Labcorp
Classification: Uncertain significance. Last evaluated: 2024-10-24. Review status: criteria provided, single submitter. Criteria: Invitae Variant Classification Sherloc (09022015). Collection method: clinical testing. Allele origin: germline.
Comment: This sequence change replaces proline, which is neutral and non-polar, with histidine, which is basic and polar, at codon 343 of the ABCD3 protein (p.Pro343His). This variant is not present in population databases (gnomAD no frequency). This variant has not been reported in the literature in individuals affected with ABCD3-related conditions. ClinVar contains an entry for this variant (Variation ID: 2041741). An algorithm developed to predict the effect of missense changes on protein structure and function (PolyPhen-2) suggests that this variant is likely to be tolerated. In summary, the available evidence is currently insufficient to determine the role of this variant in disease. Therefore, it has been classified as a Variant of Uncertain Significance.

NM_002858.4(ABCD3):c.1028C>A (p.Pro343His)

Gene: ABCD3 (ATP binding cassette subfamily D member 3; plus strand). Cytogenetic location: 1p21.3.
Variant type: single nucleotide variant.
Coding change: c.1028C>A on transcript NM_002858.4 (MANE Select); coding-DNA position 1028, C replaced by A.
Protein change: p.Pro343His; replaces proline 343 with histidine.
Molecular consequence: missense variant.
Genome position (GRCh38, 1-based): chr1:94,487,754, C>A. VCF-style: chr1-94487754-C-A. GRCh37 (hg19) VCF-style: chr1-94953310-C-A.
Other names: short protein forms P343H.
Identifiers: ClinVar variation 2041741 (VCV002041741.4), dbSNP rs763218506, ClinGen allele CA26884088.